The following is an entry in ClinVar:

ClinVar aggregate classification (germline): Uncertain significance (1 of 4 stars; one submission).

Submission:

GeneDx
Classification: Uncertain significance. Last evaluated: 2025-07-29. Review status: criteria provided, single submitter. Criteria: GeneDx Variant Classification Process June 2021. Collection method: clinical testing. Allele origin: germline. Affected: yes.
Comment: Not observed at significant frequency in large population cohorts (gnomAD); In silico analysis suggests that this missense variant does not alter protein structure/function; Has not been previously published as pathogenic or benign to our knowledge

NM_014727.3(KMT2B):c.6934C>A (p.Gln2312Lys)

Gene: KMT2B (lysine methyltransferase 2B; plus strand). Cytogenetic location: 19q13.12.
Variant type: single nucleotide variant.
Coding change: c.6934C>A on transcript NM_014727.3 (MANE Select); coding-DNA position 6934, C replaced by A.
Protein change: p.Gln2312Lys; replaces glutamine 2312 with lysine.
Molecular consequence: missense variant.
Genome position (GRCh38, 1-based): chr19:35,733,483, C>A. VCF-style: chr19-35733483-C-A. GRCh37 (hg19) VCF-style: chr19-36224384-C-A.
Other names: short protein forms Q2312K.
Identifiers: ClinVar variation 4690111 (VCV004690111.1).
Genomic context (GRCh38, chr19:35,733,483, plus strand): 5'-CCTCCCCCATACAAAGCCCCCCGGCTGGATGAAGATGGAGAGGCCTCAGAGGATACCCCT[C>A]AGGTTCCAGGGCTTGGCAGTGGCGGGTGAGTGCGGGTGCTGAGGCTGGCAGAGCAGGCAA-3'
Protein context (NP_055542.1, residues 2302-2322): EDGEASEDTP[Gln2312Lys]VPGLGSGGFS